The following is an entry in ClinVar:

ClinVar aggregate classification (germline): Likely pathogenic (1 of 4 stars; one submission).

Submission:

Labcorp Genetics (formerly Invitae), Labcorp
Classification: Likely pathogenic. Last evaluated: 2020-10-09. Review status: criteria provided, single submitter. Criteria: Invitae Variant Classification Sherloc (09022015). Collection method: clinical testing. Allele origin: germline.
Comment: This variant has not been reported in the literature in individuals with COL2A1-related conditions. This variant is not present in population databases (ExAC no frequency). This sequence change affects a donor splice site in intron 10 of the COL2A1 gene. It is expected to disrupt RNA splicing and likely results in an absent or disrupted protein product. Algorithms developed to predict the effect of sequence changes on RNA splicing suggest that this variant may disrupt the consensus splice site, but this prediction has not been confirmed by published transcriptional studies. In summary, the currently available evidence indicates that the variant is pathogenic, but additional data are needed to prove that conclusively. Therefore, this variant has been classified as Likely Pathogenic. Donor and acceptor splice site variants typically lead to a loss of protein function (PMID: 16199547), and loss-of-function variants in COL2A1 are known to be pathogenic (PMID: 20179744).

Literature cited by the submitters: PubMed 16199547; PubMed 20179744.

NM_001844.5(COL2A1):c.708+2_708+3del

Gene: COL2A1 (collagen type II alpha 1 chain; minus strand). Cytogenetic location: 12q13.11.
Variant type: Microsatellite.
Coding change: c.708+2_708+3del on transcript NM_001844.5 (MANE Select); the canonical splice donor site of the intron after coding-DNA position 708 through 3 bases into the intron after coding-DNA position 708, 2 bases deleted (TG; older notation c.708+2_708+3delTG).
Molecular consequence: splice donor variant.
Genome position (GRCh38, 1-based): chr12:47,995,707-47,995,708, CA deleted on the plus strand (TG on the coding strand, the reverse complement: COL2A1 is on the minus strand); deleting any 2 consecutive bases within chr12:47,995,707-47,995,710 gives the same sequence; the c. name uses the placement nearest the transcript's 3' end. VCF-style (leftmost placement, unchanged base first): chr12-47995706-TCA-T. GRCh37 (hg19) VCF-style: chr12-48389489-TCA-T.
Other names: c.501+2_501+3del (NM_033150.3).
Identifiers: ClinVar variation 1487308 (VCV001487308.6), dbSNP rs2136618158, ClinGen allele CA645580294.